The following is an entry in ClinVar:

NM_001364857.2(ADGRB2):c.3269T>C (p.Val1090Ala)

Gene: ADGRB2 (adhesion G protein-coupled receptor B2; minus strand). Cytogenetic location: 1p35.2.
Variant type: single nucleotide variant.
Coding change: c.3269T>C on transcript NM_001364857.2 (MANE Select); coding-DNA position 3269, T replaced by C.
Protein change: p.Val1090Ala; replaces valine 1090 with alanine.
Molecular consequence: missense variant.
Genome position (GRCh38, 1-based): chr1:31,735,664, A>G on the plus strand (T>C on the coding strand, the complement: ADGRB2 is on the minus strand). VCF-style: chr1-31735664-A-G. GRCh37 (hg19) VCF-style: chr1-32201265-A-G.
Other names: c.3269T>C, p.Val1090Ala (NM_001294335.2, NM_001294336.2); short protein forms V1090A.
Identifiers: ClinVar variation 3689661 (VCV003689661.2).
Genomic context (GRCh38, chr1:31,735,664, plus strand): 5'-TCGGAGATGCCATCACGTGCCATGAGCTTGTTGAAGACGATGATTCCGATGAGCATGTTC[A>G]CCTGGGGGCCCAGTAGAGTGGAGTGGGGGAGACAGGATCACCAGGTGCCCTCCTGGCAGG-3'
Protein context (NP_001351786.1, residues 1080-1100): FVGPAAVIVL[Val1090Ala]NMLIGIIVFN

ClinVar aggregate classification (germline): Uncertain significance (1 of 4 stars; one submission).

gnomAD v4.1: 4 of 1,595,376 alleles (0.00025%); highest among the groups gnomAD compares: Non-Finnish European, 0.00034%; no homozygotes.

Submission:

Labcorp Genetics (formerly Invitae), Labcorp
Classification: Uncertain significance. Last evaluated: 2024-05-23. Review status: criteria provided, single submitter. Criteria: Invitae Variant Classification Sherloc (09022015). Collection method: clinical testing. Allele origin: germline.
Comment: This sequence change replaces valine, which is neutral and non-polar, with alanine, which is neutral and non-polar, at codon 1090 of the ADGRB2 protein (p.Val1090Ala). This variant is not present in population databases (gnomAD no frequency). This variant has not been reported in the literature in individuals affected with ADGRB2-related conditions. An algorithm developed to predict the effect of missense changes on protein structure and function (PolyPhen-2) suggests that this variant is likely to be tolerated. In summary, the available evidence is currently insufficient to determine the role of this variant in disease. Therefore, it has been classified as a Variant of Uncertain Significance.